The following is an entry in ClinVar:

ClinVar aggregate classification (germline): Likely pathogenic (1 of 4 stars; one submission).

Submission:

Mayo Clinic Laboratories, Mayo Clinic
Classification: Likely pathogenic. Last evaluated: 2025-08-20. Review status: criteria provided, single submitter. Criteria: ACMG Guidelines, 2015. Collection method: clinical testing. Allele origin: germline. Observed: 1 variant allele.
Comment: PM2_supporting, PVS1

NM_001376013.1(EPB41):c.1404del (p.Ser469fs)

Gene: EPB41 (erythrocyte membrane protein band 4.1; plus strand). Cytogenetic location: 1p35.3.
Variant type: Deletion.
Coding change: c.1404del on transcript NM_001376013.1 (MANE Select); coding-DNA position 1404, one base deleted (C; older notation c.1404delC).
Protein change: p.Ser469fs; shifts the reading frame from serine 469.
Molecular consequence: frameshift variant.
Genome position (GRCh38, 1-based): chr1:29,035,864, C deleted; the last of 3 consecutive C bases (chr1:29,035,862-29,035,864); deleting any one gives the same sequence. VCF-style (leftmost placement, unchanged base first): chr1-29035861-TC-T. GRCh37 (hg19) VCF-style: chr1-29362373-TC-T.
Other names: p.Ser469Valfs*13; c.777del, p.Ser260fs (NM_004437.4, NM_203342.3, NM_001166007.2 and 7 more transcripts); c.1299del, p.Ser434fs (NM_203343.3); c.1404del, p.Ser469fs (NM_001166005.2, NM_001166006.2, NM_001376014.1 and 7 more transcripts); short protein forms S434fs, S260fs, S469fs.
Identifiers: ClinVar variation 4540958 (VCV004540958.1).
Genomic context (GRCh38, chr1:29,035,861, plus strand): 5'-CCCATGTTTATTTGTGTTTTTGTAGCAAGAGCAGTATGAAAGTACCATCGGATTCAAACT[TC>T]CCAGTTACCGAGCAGCTAAGAAATTATGGAAAGTCTGTGTAGAACATCACACGTTTTTCA-3'